The following is an entry in ClinVar:

ClinVar aggregate classification (germline): Uncertain significance. Review status: criteria provided, multiple submitters, no conflicts (2 of 4 stars). 2 submissions from 2 submitters: Uncertain significance (2). Last evaluated 2026-05-26.

Conditions:
Monocytopenia with susceptibility to infections. Also called: MONOCYTOPENIA AND MYCOBACTERIAL INFECTION SYNDROME; MONOCYTOPENIA WITH SUSCEPTIBILITY TO MYCOBACTERIAL, FUNGAL, AND PAPILLOMAVIRUS INFECTIONS AND MYELODYSPLASIA; COMBINED IMMUNODEFICIENCY WITH SUSCEPTIBILITY TO MYCOBACTERIAL, VIRAL, AND FUNGAL INFECTIONS; Dendritic cell, monocyte, B lymphocyte, and natural killer lymphocyte deficiency; IMMUNODEFICIENCY 21; GATA2 DEFICIENCY. Identifiers: Orphanet 228423, MedGen C3280030, MONDO:0013607, OMIM 614172.
Deafness-lymphedema-leukemia syndrome. Also called: Lymphedema, primary, with myelodysplasia; Emberger syndrome. Identifiers: Orphanet 3226, MedGen C3279664, MONDO:0013540, OMIM 614038.
Inborn genetic diseases. Identifiers: MedGen C0950123, MeSH D030342.

Allele frequency attached by ClinVar (database versions not stated): TOPMed below 0.00001; gnomAD 0.00001.
gnomAD v4.1: 2 of 1,612,858 alleles (0.00012%); highest among the groups gnomAD compares: Non-Finnish European, 0.00017%; no homozygotes.

Submissions (2):

Ambry Genetics
Classification: Uncertain significance for Inborn genetic diseases. Last evaluated: 2026-05-26. Review status: criteria provided, single submitter. Criteria: Ambry Variant Classification Scheme 2023. Collection method: clinical testing. Allele origin: germline.
Comment: The p.P36A variant (also known as c.106C>G), located in coding exon 1 of the GATA2 gene, results from a C to G substitution at nucleotide position 106. The proline at codon 36 is replaced by alanine, an amino acid with highly similar properties. This amino acid position is highly conserved in available vertebrate species. In addition, this alteration is predicted to be deleterious by in silico analysis. Based on the available evidence, the clinical significance of this variant remains unclear.

Labcorp Genetics (formerly Invitae), Labcorp
Classification: Uncertain significance for Monocytopenia with susceptibility to infections; Deafness-lymphedema-leukemia syndrome. Last evaluated: 2025-06-08. Review status: criteria provided, single submitter. Criteria: Invitae Variant Classification Sherloc (09022015). Collection method: clinical testing. Allele origin: germline.
Comment: This sequence change replaces proline, which is neutral and non-polar, with alanine, which is neutral and non-polar, at codon 36 of the GATA2 protein (p.Pro36Ala). This variant is not present in population databases (gnomAD no frequency). This missense change has been observed in individual(s) with a personal or family history of breast cancer (PMID: 35980532). ClinVar contains an entry for this variant (Variation ID: 949738). Invitae Evidence Modeling of protein sequence and biophysical properties (such as structural, functional, and spatial information, amino acid conservation, physicochemical variation, residue mobility, and thermodynamic stability) indicates that this missense variant is not expected to disrupt GATA2 protein function with a negative predictive value of 95%. In summary, the available evidence is currently insufficient to determine the role of this variant in disease. Therefore, it has been classified as a Variant of Uncertain Significance.

Literature cited by the submitters: PubMed 35980532 (cited by Labcorp Genetics (formerly Invitae), Labcorp).

NM_032638.5(GATA2):c.106C>G (p.Pro36Ala)

Gene: GATA2 (GATA binding protein 2; minus strand). Cytogenetic location: 3q21.3.
Variant type: single nucleotide variant.
Coding change: c.106C>G on transcript NM_032638.5 (MANE Select); coding-DNA position 106, C replaced by G.
Protein change: p.Pro36Ala; replaces proline 36 with alanine.
Molecular consequence: missense variant.
Genome position (GRCh38, 1-based): chr3:128,486,926, G>C on the plus strand (C>G on the coding strand, the complement: GATA2 is on the minus strand). VCF-style: chr3-128486926-G-C. GRCh37 (hg19) VCF-style: chr3-128205769-G-C.
Other names: c.106C>G, p.Pro36Ala (NM_001145661.2, NM_001145662.1); short protein forms P36A.
Identifiers: ClinVar variation 949738 (VCV000949738.8), dbSNP rs1348109698, ClinGen allele CA354408860.